The following is an entry in ClinVar:

ClinVar aggregate classification (germline): Uncertain significance (1 of 4 stars; one submission).

Conditions:
Hyperuricemic nephropathy, familial juvenile type 4 (ADTKD5). Identifiers: MedGen C4310741, MONDO:0014891, OMIM 617056.

Submission:

Victorian Clinical Genetics Services, Murdoch Childrens Research Institute
Classification: Uncertain significance for Hyperuricemic nephropathy, familial juvenile type 4. Last evaluated: 2024-10-08. Review status: criteria provided, single submitter. Criteria: ACMG Guidelines, 2015. Collection method: clinical testing. Allele origin: germline. Inheritance: Autosomal dominant inheritance. Affected: yes.
Comment: Based on the classification scheme VCGS_Germline_v1.3.4, this variant is classified as VUS-3A. Following criteria are met: 0102 - Loss of function is a known mechanism of disease in this gene and is associated with autosomal dominant tubulointerstitial kidney disease 5 (MIM#617056), common variable immunodeficiency 15 (MIM#620670) and autosomal dominant severe congenital neutropenia 11 (MIM#620674). Dominant negative is also a suggested mechanism (PMID: 28782633). (I) 0107 - This gene is associated with autosomal dominant disease. (I) 0200 - Variant is predicted to result in a missense amino acid change from phenylalanine to leucine. (I) 0251 - This variant is heterozygous. (I) 0301 - Variant is absent from gnomAD (both v2 and v3). (SP) 0501 - Missense variant consistently predicted to be damaging by multiple in silico tools or highly conserved with a major amino acid change. (SP) 0603 - Missense variant in a region that is highly intolerant to missense variation (high constraint region in DECIPHER). (SP) 0705 - No comparable missense variants have previous evidence for pathogenicity. (I) 0807 - This variant has no previous evidence of pathogenicity. (I) 0905 - No published segregation evidence has been identified for this variant. (I) 1007 - No published functional evidence has been identified for this variant. (I) 1208 - Inheritance information for this variant is not currently available in this individual. (I) Legend: (SP) - Supporting pathogenic, (I) - Information, (SB) - Supporting benign

Literature cited by the submitters: PubMed 28782633.

NM_013336.4(SEC61A1):c.546C>A (p.Phe182Leu)

Gene: SEC61A1 (SEC61 translocon subunit alpha 1; plus strand). Cytogenetic location: 3q21.3.
Variant type: single nucleotide variant.
Coding change: c.546C>A on transcript NM_013336.4 (MANE Select); coding-DNA position 546, C replaced by A.
Protein change: p.Phe182Leu; replaces phenylalanine 182 with leucine.
Molecular consequence: missense variant.
Genome position (GRCh38, 1-based): chr3:128,060,591, C>A. VCF-style: chr3-128060591-C-A. GRCh37 (hg19) VCF-style: chr3-127779434-C-A.
Other names: c.564C>A, p.Phe188Leu (NM_001400328.1); c.387C>A, p.Phe129Leu (NM_001400329.1); short protein forms F129L, F182L, F188L.
Identifiers: ClinVar variation 3377057 (VCV003377057.1).